The following is an entry in ClinVar:

NM_000350.3(ABCA4):c.61C>T (p.Gln21Ter)

Gene: ABCA4 (ATP binding cassette subfamily A member 4; minus strand). Cytogenetic location: 1p22.1.
Variant type: single nucleotide variant.
Coding change: c.61C>T on transcript NM_000350.3 (MANE Select); coding-DNA position 61, C replaced by T.
Protein change: p.Gln21Ter; replaces glutamine 21 with a stop codon.
Molecular consequence: nonsense.
Genome position (GRCh38, 1-based): chr1:94,120,985, G>A on the plus strand (C>T on the coding strand, the complement: ABCA4 is on the minus strand). VCF-style: chr1-94120985-G-A. GRCh37 (hg19) VCF-style: chr1-94586541-G-A.
Other names: c.61C>T, p.Gln21Ter (NM_001425324.1); short protein forms Q21*.
Identifiers: ClinVar variation 959914 (VCV000959914.14), dbSNP rs770272033, ClinGen allele CA958970.

ClinVar aggregate classification (germline): Pathogenic/Likely pathogenic. Review status: criteria provided, multiple submitters, no conflicts (2 of 4 stars). 4 submissions from 4 submitters: Pathogenic (3); Likely pathogenic (1). Last evaluated 2025-04-10.

Conditions:
ABCA4-related disorder. Also called: ABCA4-related disorders; ABCA4-related condition. Identifiers: MedGen CN239167.
Retinal dystrophy. Also called: Inherited retinal dystrophy. Identifiers: Orphanet 71862, MedGen C0854723, MeSH D058499, MONDO:0019118, HP:0000556.
Severe early-childhood-onset retinal dystrophy (STGD1). Also called: STGD; Stargardt macular dystrophy; Juvenile onset macular degeneration; Stargardt disease 1; MACULAR DYSTROPHY WITH FLECKS, TYPE 1. Identifiers: Orphanet 364055, Orphanet 827, MedGen C1855465, MeSH D000080362, MONDO:0009549, OMIM 248200.

Allele frequency attached by ClinVar (database versions not stated): ExAC 0.00001; gnomAD exomes below 0.00001.

Submissions (4):

Labcorp Genetics (formerly Invitae), Labcorp
Classification: Pathogenic. Last evaluated: 2025-04-10. Review status: criteria provided, single submitter. Criteria: Invitae Variant Classification Sherloc (09022015). Collection method: clinical testing. Allele origin: germline.
Comment: This sequence change creates a premature translational stop signal (p.Gln21*) in the ABCA4 gene. It is expected to result in an absent or disrupted protein product. Loss-of-function variants in ABCA4 are known to be pathogenic (PMID: 10958761, 24938718, 25312043, 26780318). This variant is present in population databases (rs770272033, gnomAD 0.0009%). This premature translational stop signal has been observed in individual(s) with Stargardt disease (PMID: 20128570). ClinVar contains an entry for this variant (Variation ID: 959914). Algorithms developed to predict the effect of sequence changes on RNA splicing suggest that this variant may disrupt the consensus splice site. For these reasons, this variant has been classified as Pathogenic.

Institute of Medical Molecular Genetics, University of Zurich
Classification: Likely pathogenic for Severe early-childhood-onset retinal dystrophy. Last evaluated: 2021-01-30. Review status: criteria provided, single submitter. Criteria: ACMG Guidelines, 2015. Collection method: clinical testing. Allele origin: unknown. Affected: yes.

Blueprint Genetics
Classification: Pathogenic for ABCA4-related disorders. Last evaluated: 2020-12-22. Review status: criteria provided, single submitter. Criteria: ACMG Guidelines, 2015. Collection method: clinical testing. Allele origin: germline. Affected: yes. Observed: 2 variant alleles.

Institute of Human Genetics, Univ. Regensburg, Univ. Regensburg
Classification: Pathogenic for Retinal dystrophy. Last evaluated: 2019-01-01. Review status: criteria provided, single submitter. Criteria: ACMG Guidelines, 2015. Collection method: clinical testing. Allele origin: germline. Affected: yes.

Literature cited by the submitters: PubMed 10958761 (cited by Labcorp Genetics (formerly Invitae), Labcorp); PubMed 24938718 (cited by Labcorp Genetics (formerly Invitae), Labcorp); PubMed 25312043 (cited by Labcorp Genetics (formerly Invitae), Labcorp); PubMed 26780318 (cited by Labcorp Genetics (formerly Invitae), Labcorp); PubMed 20128570 (cited by Labcorp Genetics (formerly Invitae), Labcorp and Institute of Human Genetics, Univ. Regensburg, Univ. Regensburg); PubMed 31964843 (cited by Institute of Human Genetics, Univ. Regensburg, Univ. Regensburg); PubMed 35260635 (cited by Institute of Human Genetics, Univ. Regensburg, Univ. Regensburg); PubMed 36460718 (cited by Institute of Human Genetics, Univ. Regensburg, Univ. Regensburg).